The following is an entry in ClinVar:

ClinVar aggregate classification (germline): Pathogenic (1 of 4 stars; one submission).

Submission:

Athena Diagnostics
Classification: Pathogenic. Last evaluated: 2025-01-30. Review status: criteria provided, single submitter. Criteria: Athena Diagnostics Criteria. Collection method: clinical testing. Allele origin: unknown.
Comment: This variant alters a critical location within the protein, and is expected to severely affect function and cause disease. This variant has not been reported in large, multi-ethnic general populations. This variant has been identified in at least one individual with clinical features associated with CADASIL. Greater than 90% of NOTCH3 pathogenic variants associated with CADASIL involve the gain or loss of a cysteine residue within the epidermal growth factor (EGF)-like repeat domain (PMID: 32457593, 20301673).

Literature cited by the submitters: PubMed 21217157; PubMed 27890607; PubMed 36261288; PubMed 35754959; PubMed 32765252; PubMed 38520151.

NM_000435.3(NOTCH3):c.635G>A (p.Cys212Tyr)

Gene: NOTCH3 (notch receptor 3; minus strand). Cytogenetic location: 19p13.12.
Variant type: single nucleotide variant.
Coding change: c.635G>A on transcript NM_000435.3 (MANE Select); coding-DNA position 635, G replaced by A.
Protein change: p.Cys212Tyr; replaces cysteine 212 with tyrosine.
Molecular consequence: missense variant.
Genome position (GRCh38, 1-based): chr19:15,192,004, C>T on the plus strand (G>A on the coding strand, the complement: NOTCH3 is on the minus strand). VCF-style: chr19-15192004-C-T. GRCh37 (hg19) VCF-style: chr19-15302815-C-T.
Other names: short protein forms C212Y.
Identifiers: ClinVar variation 4682150 (VCV004682150.1).